The following is an entry in ClinVar:

NM_001267550.2(TTN):c.88562C>A (p.Ser29521Ter)

Genes: TTN (titin; minus strand), TTN-AS1 (TTN antisense RNA 1; plus strand). Cytogenetic location: 2q31.2.
Variant type: single nucleotide variant.
Coding change: c.88562C>A on transcript NM_001267550.2 (MANE Select); coding-DNA position 88562, C replaced by A.
Protein change: p.Ser29521Ter; replaces serine 29521 with a stop codon.
Molecular consequence: nonsense.
Genome position (GRCh38, 1-based): chr2:178,554,897, G>T on the plus strand (C>A on the coding strand, the complement: TTN is on the minus strand). VCF-style: chr2-178554897-G-T. GRCh37 (hg19) VCF-style: chr2-179419624-G-T.
Other names: c.83639C>A, p.Ser27880Ter (NM_001256850.1); c.61367C>A, p.Ser20456Ter (NM_003319.4); c.80858C>A, p.Ser26953Ter (NM_133378.4); c.61742C>A, p.Ser20581Ter (NM_133432.3); c.61943C>A, p.Ser20648Ter (NM_133437.4); short protein forms S29521*, S20648*, S26953*, S27880*, S20456*, S20581*.
Identifiers: ClinVar variation 466667 (VCV000466667.10), dbSNP rs1436663696, ClinGen allele CA349526686.
Genomic context (GRCh38, chr2:178,554,897, plus strand): 5'-ATGACAGTGGTCTGTATTCAGCACCTACCAAGGATCTGTACTCTGATGGTGGCTGAGGCT[G>T]AGCCCATGGCATTCCTTAGTTTTAATTCATAGCATCCACTATTAAGGCGATCGGCATCTT-3'

ClinVar aggregate classification (germline): Likely pathogenic (1 of 4 stars; one submission).

Conditions:
Autosomal recessive limb-girdle muscular dystrophy type 2J (LGMDR10). Also called: Limb-girdle muscular dystrophy, type 2J; MUSCULAR DYSTROPHY, LIMB-GIRDLE, AUTOSOMAL RECESSIVE 10. Identifiers: Orphanet 140922, MedGen C1837342, MONDO:0012127, OMIM 608807.
Dilated cardiomyopathy 1G (CMD1G). Identifiers: Orphanet 154, MedGen C1858763, MONDO:0011400, OMIM 604145.

Submission:

Labcorp Genetics (formerly Invitae), Labcorp
Classification: Likely pathogenic for Dilated cardiomyopathy 1G; Autosomal recessive limb-girdle muscular dystrophy type 2J. Last evaluated: 2025-10-23. Review status: criteria provided, single submitter. Criteria: Invitae Variant Classification Sherloc (09022015). Collection method: clinical testing. Allele origin: germline.
Comment: This sequence change creates a premature translational stop signal (p.Ser29521*) in the TTN gene. While this is not anticipated to result in nonsense mediated decay, it is expected to create a truncated TTN protein. This variant is not present in population databases (gnomAD no frequency). This variant has not been reported in the literature in individuals affected with TTN-related conditions. ClinVar contains an entry for this variant (Variation ID: 466667). This variant is located in the A band of TTN (PMID: 25589632). Truncating variants in this region are significantly overrepresented in patients affected with dilated cardiomyopathy (PMID: 25589632). Truncating variants in this region have also been reported in individuals affected with autosomal recessive centronuclear myopathy (PMID: 23975875). In summary, the currently available evidence indicates that the variant is pathogenic, but additional data are needed to prove that conclusively. Therefore, this variant has been classified as Likely Pathogenic.

Literature cited by the submitters: PubMed 25589632; PubMed 23975875.